The following is an entry in ClinVar:

ClinVar aggregate classification (germline): Likely benign. Review status: criteria provided, multiple submitters, no conflicts (2 of 4 stars). 2 submissions from 2 submitters: Likely benign (2). Last evaluated 2025-12-02.

Conditions:
Epilepsy, childhood absence, susceptibility to, 1. Also called: Epilepsy, childhood absence 1. Identifiers: Orphanet 64280, MedGen C1838604, MONDO:0020759, OMIM 600131.
Epilepsy, childhood absence, susceptibility to, 5. Identifiers: Orphanet 64280, MedGen C2677087, MONDO:0012843, OMIM 612269.

Allele frequency attached by ClinVar (database versions not stated): gnomAD 0.00001 and 0.00002; gnomAD exomes 0.00001 and 0.00006; TOPMed 0.00005; ExAC 0.00009.
gnomAD v4.1: 17 of 1,547,306 alleles (0.0011%); highest among the groups gnomAD compares: East Asian, 0.042%; no homozygotes.

Submissions (2):

Labcorp Genetics (formerly Invitae), Labcorp
Classification: Likely benign for Epilepsy, childhood absence, susceptibility to, 5; Epilepsy, childhood absence, susceptibility to, 1. Last evaluated: 2025-12-02. Review status: criteria provided, single submitter. Criteria: Invitae Variant Classification Sherloc (09022015). Collection method: clinical testing. Allele origin: germline.

GeneDx
Classification: Likely benign. Last evaluated: 2019-11-19. Review status: criteria provided, single submitter. Criteria: GeneDx Variant Classification Process June 2021. Collection method: clinical testing. Allele origin: germline. Affected: yes.
Comment: This variant is associated with the following publications: (PMID: 24999380)

NM_000814.6(GABRB3):c.81-3C>T

Gene: GABRB3 (gamma-aminobutyric acid type A receptor subunit beta3; minus strand). Cytogenetic location: 15q12.
Variant type: single nucleotide variant.
Coding change: c.81-3C>T on transcript NM_000814.6 (MANE Select); 3 bases into the intron before coding-DNA position 81, C replaced by T.
Molecular consequence: intron variant.
Genome position (GRCh38, 1-based): chr15:26,772,775, G>A on the plus strand (C>T on the coding strand, the complement: GABRB3 is on the minus strand). VCF-style: chr15-26772775-G-A. GRCh37 (hg19) VCF-style: chr15-27017922-G-A.
Other names: c.81-3C>T (NM_021912.5); c.-271-3C>T (NM_001278631.2).
Identifiers: ClinVar variation 381596 (VCV000381596.12), dbSNP rs746996582, ClinGen allele CA7437558.